The following is an entry in ClinVar:

NM_022841.7(RFX7):c.3797G>C (p.Arg1266Thr)

Gene: RFX7 (regulatory factor X7; minus strand). Cytogenetic location: 15q21.3.
Variant type: single nucleotide variant.
Coding change: c.3797G>C on transcript NM_022841.7 (MANE Select); coding-DNA position 3797, G replaced by C.
Protein change: p.Arg1266Thr; replaces arginine 1266 with threonine.
Molecular consequence: missense variant.
Genome position (GRCh38, 1-based): chr15:56,093,931, C>G on the plus strand (G>C on the coding strand, the complement: RFX7 is on the minus strand). VCF-style: chr15-56093931-C-G. GRCh37 (hg19) VCF-style: chr15-56386129-C-G.
Other names: c.3506G>C, p.Arg1169Thr (NM_001368073.2, NM_001368074.1, NM_001370554.1); c.3797G>C, p.Arg1266Thr (NM_001370561.1); short protein forms R1169T, R1266T.
Identifiers: ClinVar variation 4848957 (VCV004848957.1).

ClinVar aggregate classification (germline): Uncertain significance (1 of 4 stars; one submission).

Submission:

Women's Health and Genetics/Laboratory Corporation of America, LabCorp
Classification: Uncertain significance. Last evaluated: 2026-04-02. Review status: criteria provided, single submitter. Criteria: LabCorp Variant Classification Summary - May 2015. Collection method: clinical testing. Allele origin: germline.
Comment: Variant summary: RFX7 c.3797G>C (p.Arg1266Thr) results in a non-conservative amino acid change in the encoded protein sequence. Algorithms developed to predict the effect of missense changes on protein structure and function are either unavailable or do not agree on the potential impact of this missense change. The variant was absent in 248952 control chromosomes. The available data on variant occurrences in the general population are insufficient to allow any conclusion about variant significance. To our knowledge, no occurrence of c.3797G>C in individuals affected with RFX7-related conditions and no experimental evidence demonstrating its impact on protein function have been reported. No submitters have cited clinical-significance assessments for this variant to ClinVar. Based on the evidence outlined above, the variant was classified as uncertain significance.